The following is an entry in ClinVar:

NM_052867.4(NALCN):c.1117G>T (p.Ala373Ser)

Gene: NALCN (sodium leak channel, non-selective; minus strand). Cytogenetic location: 13q33.1.
Variant type: single nucleotide variant.
Coding change: c.1117G>T on transcript NM_052867.4 (MANE Select); coding-DNA position 1117, G replaced by T.
Protein change: p.Ala373Ser; replaces alanine 373 with serine.
Molecular consequence: missense variant. On other transcripts: intron variant (2).
Genome position (GRCh38, 1-based): chr13:101,283,950, C>A on the plus strand (G>T on the coding strand, the complement: NALCN is on the minus strand). VCF-style: chr13-101283950-C-A. GRCh37 (hg19) VCF-style: chr13-101936301-C-A.
Other names: c.1117G>T, p.Ala373Ser (NM_001350748.2, NM_001350749.2); c.1047+8040G>T (NM_001350751.2, NM_001350750.2); short protein forms A373S.
Identifiers: ClinVar variation 3174078 (VCV003174078.2), dbSNP rs752215175, ClinGen allele CA388704028.

ClinVar aggregate classification (germline): Uncertain significance (1 of 4 stars; one submission).

Conditions:
Inborn genetic diseases. Identifiers: MedGen C0950123, MeSH D030342.

Allele frequency attached by ClinVar (database versions not stated): gnomAD 0.00001.
gnomAD v4.1: 4 of 1,612,866 alleles (0.00025%); highest among the groups gnomAD compares: Non-Finnish European, 0.00034%; no homozygotes.

Submission:

Ambry Genetics
Classification: Uncertain significance for Inborn genetic diseases. Last evaluated: 2026-06-10. Review status: criteria provided, single submitter. Criteria: Ambry Variant Classification Scheme 2023. Collection method: clinical testing. Allele origin: germline.
Comment: The c.1117G>T (p.A373S) alteration is located in exon 10 (coding exon 9) of the NALCN gene. This alteration results from a G to T substitution at nucleotide position 1117, causing the alanine (A) at amino acid position 373 to be replaced by a serine (S). Based on data from gnomAD, the T allele has an overall frequency of 0.003% (1/31400) total alleles studied. The highest observed frequency was 0.007% (1/15434) of European (non-Finnish) alleles. Based on insufficient or conflicting evidence, the clinical significance of this alteration remains unclear.